The following is an entry in ClinVar:

ClinVar aggregate classification (germline): Uncertain significance (1 of 4 stars; one submission).

Submission:

Labcorp Genetics (formerly Invitae), Labcorp
Classification: Uncertain significance. Last evaluated: 2022-07-29. Review status: criteria provided, single submitter. Criteria: Invitae Variant Classification Sherloc (09022015). Collection method: clinical testing. Allele origin: germline.
Comment: This variant, c.6824_6826dup, results in the insertion of 1 amino acid(s) of the NBAS protein (p.Ile2275dup), but otherwise preserves the integrity of the reading frame. This variant is present in population databases (no rsID available, gnomAD 0.01%). This variant has not been reported in the literature in individuals affected with NBAS-related conditions. ClinVar contains an entry for this variant (Variation ID: 1482944). Experimental studies and prediction algorithms are not available or were not evaluated, and the functional significance of this variant is currently unknown. In summary, the available evidence is currently insufficient to determine the role of this variant in disease. Therefore, it has been classified as a Variant of Uncertain Significance.

NM_015909.4(NBAS):c.6824_6826dup (p.Ile2275dup)

Gene: NBAS (NBAS subunit of NRZ tethering complex; minus strand). Cytogenetic location: 2p24.3.
Variant type: Duplication.
Coding change: c.6824_6826dup on transcript NM_015909.4 (MANE Select); coding-DNA positions 6824 to 6826, 3 bases duplicated (TCA; older notation c.6824_6826dupTCA).
Protein change: p.Ile2275dup; duplicates isoleucine 2275.
Molecular consequence: inframe insertion. On other transcripts: non-coding transcript variant (1).
Genome position (GRCh38, 1-based): chr2:15,179,002-15,179,004, TGA duplicated on the plus strand (TCA on the coding strand, the reverse complement: NBAS is on the minus strand); duplicating any 3 consecutive bases within chr2:15,179,002-15,179,005 gives the same sequence; the c. name uses the placement nearest the transcript's 3' end. VCF-style (leftmost placement, unchanged base first): chr2-15179001-G-GTGA. GRCh37 (hg19) VCF-style: chr2-15319125-G-GTGA.
Identifiers: ClinVar variation 1482944 (VCV001482944.3), dbSNP rs1558412890, ClinGen allele CA531208663.
Genomic context (GRCh38, chr2:15,179,001, plus strand): 5'-AACATTAAAAAAAAAAAAAGAAAGAAAGTAAATTCAACTGGGCATACCGTAGTGACTGCC[G>GTGA]TGATTTGCTCCAGTGCCATCTCGTGCAGATGCTCATCTCGGCTCTCGAGGAGAAGTTTCA-3'